The following is an entry in ClinVar:

ClinVar aggregate classification (germline): Likely pathogenic (1 of 4 stars; one submission).

Conditions:
RYR1-related disorder. Also called: RYR1-related condition; RYR1-related disorders. Identifiers: MedGen CN239331.

Allele frequency attached by ClinVar (database versions not stated): gnomAD exomes below 0.00001.
gnomAD v4.1: 1 of 1,614,052 alleles (0.000062%); highest among the groups gnomAD compares: Non-Finnish European, 0.000085%; no homozygotes.

Submission:

Labcorp Genetics (formerly Invitae), Labcorp
Classification: Likely pathogenic for RYR1-related disorder. Last evaluated: 2017-04-27. Review status: criteria provided, single submitter. Criteria: Invitae Variant Classification Sherloc (09022015). Collection method: clinical testing. Allele origin: germline.
Comment: This sequence change affects an acceptor splice site in intron 29 of the RYR1 gene. It is expected to disrupt RNA splicing and likely results in an absent or disrupted protein product. This variant is not present in population databases (ExAC no frequency) and has not been reported in the literature in individuals with a RYR1-related disease. In summary, donor and acceptor splice site variants are typically loss-of-function (PMID: 16199547), and typically loss-of-function variants in RYR1 are known to cause autosomal recessive RYR1-related disorders (PMID: 23919265). However, without additional functional and/or genetic data, this variant has been classified as Likely Pathogenic.

Literature cited by the submitters: PubMed 16199547; PubMed 23919265.

NM_000540.3(RYR1):c.4294-2A>G

Gene: RYR1 (ryanodine receptor 1; plus strand). Cytogenetic location: 19q13.2.
Variant type: single nucleotide variant.
Coding change: c.4294-2A>G on transcript NM_000540.3 (MANE Select); the canonical splice acceptor site of the intron before coding-DNA position 4294, A replaced by G.
Molecular consequence: splice acceptor variant.
Genome position (GRCh38, 1-based): chr19:38,477,708, A>G. VCF-style: chr19-38477708-A-G. GRCh37 (hg19) VCF-style: chr19-38968348-A-G.
Other names: c.4294-2A>G (NM_001042723.2).
Identifiers: ClinVar variation 478231 (VCV000478231.2), dbSNP rs1555777043, ClinGen allele CA405645610.
Genomic context (GRCh38, chr19:38,477,708, plus strand): 5'-CCCAGGGAGCCCGAGTCCCTGACTTCCAGACTGACCACTAGTTCCCCTCCTTGTGTCACC[A>G]GTACTATTACTCCGTGAGGGTCTTTGCTGGACAGGAGCCCAGCTGCGTGTGGGCGGGCTG-3'